The following is an entry in ClinVar:

NM_001034853.2(RPGR):c.824G>A (p.Gly275Asp)

Gene: RPGR (retinitis pigmentosa GTPase regulator; minus strand). Cytogenetic location: Xp11.4.
Variant type: single nucleotide variant.
Coding change: c.824G>A on transcript NM_001034853.2 (MANE Select); coding-DNA position 824, G replaced by A.
Protein change: p.Gly275Asp; replaces glycine 275 with aspartic acid.
Molecular consequence: missense variant. On other transcripts: non-coding transcript variant (5).
Genome position (GRCh38, 1-based): chrX:38,304,745, C>T on the plus strand (G>A on the coding strand, the complement: RPGR is on the minus strand). VCF-style: chrX-38304745-C-T. GRCh37 (hg19) VCF-style: chrX-38163998-C-T.
Other names: c.824G>A, p.Gly275Asp (NM_000328.3, NM_001367246.1, NM_001367247.1 and 1 more transcripts); c.821G>A, p.Gly274Asp (NM_001367245.1, NM_001367249.1, NM_001367250.1); c.854G>A, p.Gly285Asp (NM_001367248.1); short protein forms G274D, G285D, G275D.
Identifiers: ClinVar variation 2092857 (VCV002092857.4), dbSNP rs2519847231, ClinGen allele CA412741592.

ClinVar aggregate classification (germline): Likely pathogenic (1 of 4 stars; one submission).

Conditions:
Primary ciliary dyskinesia. Also called: Ciliary dyskinesia. Identifiers: Orphanet 244, MedGen C0008780, MONDO:0016575, HP:0012265.

Submission:

Labcorp Genetics (formerly Invitae), Labcorp
Classification: Likely pathogenic for Primary ciliary dyskinesia. Last evaluated: 2022-12-21. Review status: criteria provided, single submitter. Criteria: Invitae Variant Classification Sherloc (09022015). Collection method: clinical testing. Allele origin: germline.
Comment: In summary, the currently available evidence indicates that the variant is pathogenic, but additional data are needed to prove that conclusively. Therefore, this variant has been classified as Likely Pathogenic. This variant disrupts the p.Gly275 amino acid residue in RPGR. Other variant(s) that disrupt this residue have been determined to be pathogenic (PMID: 8817343, 16969763, 17724181, 23213406, 30622176, 31456290). This suggests that this residue is clinically significant, and that variants that disrupt this residue are likely to be disease-causing. Advanced modeling of protein sequence and biophysical properties (such as structural, functional, and spatial information, amino acid conservation, physicochemical variation, residue mobility, and thermodynamic stability) performed at Invitae indicates that this missense variant is expected to disrupt RPGR protein function. This missense change has been observed in individual(s) with RPGR-related conditions (Invitae). This variant is not present in population databases (gnomAD no frequency). This sequence change replaces glycine, which is neutral and non-polar, with aspartic acid, which is acidic and polar, at codon 275 of the RPGR protein (p.Gly275Asp).

Literature cited by the submitters: PubMed 8817343; PubMed 16969763; PubMed 17724181; PubMed 23213406; PubMed 30622176; PubMed 31456290.